The following is an entry in ClinVar:

ClinVar aggregate classification (germline): Conflicting classifications of pathogenicity. Review status: criteria provided, conflicting classifications (1 of 4 stars). 2 submissions from 2 submitters: Uncertain significance (1); Likely benign (1). Last evaluated 2026-03-09.

Submissions (2):

Women's Health and Genetics/Laboratory Corporation of America, LabCorp
Classification: Uncertain significance. Last evaluated: 2026-03-09. Review status: criteria provided, single submitter. Criteria: LabCorp Variant Classification Summary - May 2015. Collection method: clinical testing. Allele origin: germline.
Comment: Variant summary: TNXB c.11919+8G>A alters a nucleotide located at a position not widely known to affect splicing. Several computational tools predict a significant impact on normal splicing: Two predict the variant weakens a 5' donor site. One predicts the variant has no significant impact on splicing. However, these predictions have yet to be confirmed by functional studies. The variant allele was found at a frequency of 0.00017 in 53602 control chromosomes. The available data on variant occurrences in the general population are insufficient to allow any conclusion about variant significance. To our knowledge, no occurrence of c.11919+8G>A in individuals affected with TNXB-related conditions and no experimental evidence demonstrating its impact on protein function have been reported. ClinVar contains an entry for this variant (Variation ID: 4684935). Based on the evidence outlined above, the variant was classified as uncertain significance.

Mayo Clinic Laboratories, Mayo Clinic
Classification: Likely benign. Last evaluated: 2025-05-08. Review status: criteria provided, single submitter. Criteria: ACMG Guidelines, 2015. Collection method: clinical testing. Allele origin: germline. Observed: 2 variant alleles.
Comment: BP4, BP7

NM_001365276.2(TNXB):c.11925+8G>A

Genes: TNXB (tenascin XB; minus strand), LOC106780803 (tenascin XB recombination region; plus strand). Cytogenetic location: 6p21.33.
Variant type: single nucleotide variant.
Coding change: c.11925+8G>A on transcript NM_001365276.2 (MANE Select); 8 bases into the intron after coding-DNA position 11925, G replaced by A.
Molecular consequence: intron variant.
Genome position (GRCh38, 1-based): chr6:32,042,943, C>T on the plus strand (G>A on the coding strand, the complement: TNXB is on the minus strand). VCF-style: chr6-32042943-C-T. GRCh37 (hg19) VCF-style: chr6-32010720-C-T.
Other names: p.?; c.11919+8G>A (NM_019105.8); c.12666+8G>A (NM_001428335.1); c.1212+8G>A (NM_032470.4).
Identifiers: ClinVar variation 4684935 (VCV004684935.2).